The following is an entry in ClinVar:

NM_033238.3(PML):c.1710+1335G>C

Gene: PML (PML nuclear body scaffold; plus strand). Cytogenetic location: 15q24.1.
Variant type: single nucleotide variant.
Coding change: c.1710+1335G>C on transcript NM_033238.3 (MANE Select); 1335 bases into the intron after coding-DNA position 1710, G replaced by C.
Molecular consequence: intron variant. On other transcripts: missense variant (3), 3 prime UTR variant (2).
Genome position (GRCh38, 1-based): chr15:74,035,865, G>C. VCF-style: chr15-74035865-G-C. GRCh37 (hg19) VCF-style: chr15-74328206-G-C.
Other names: c.2404G>C, p.Ala802Pro (NM_033239.3); c.*1209G>C (NM_033240.3); c.2389G>C, p.Ala797Pro (NM_033242.2); c.*729G>C (NM_033244.4); c.*1194G>C (NM_033245.2); c.2260G>C, p.Ala754Pro (NM_033250.3); c.1710+1335G>C (NM_002675.4); c.1566+1335G>C (NM_033249.3); and 2 more; short protein forms A754P, A797P, A802P.
Identifiers: ClinVar variation 3059931 (VCV003059931.2), dbSNP rs743582, ClinGen allele CA7652887.

ClinVar aggregate classification (germline): Likely benign (0 of 4 stars; one submission).

Conditions:
PML-related disorder. Also called: PML-related condition.

Allele frequency attached by ClinVar (database versions not stated): ESP Exome Variant Server 0.09669; TOPMed 0.10345; 1000 Genomes Project 30x 0.15412; 1000 Genomes Project 0.15675.
gnomAD v4.1: 169,137 of 1,613,586 alleles (10%); highest among the groups gnomAD compares: South Asian, 24%; 10,796 homozygotes.

Submission:

PreventionGenetics, part of Exact Sciences
Classification: Likely benign for PML-related condition. Last evaluated: 2019-10-21. Review status: no assertion criteria provided. Collection method: clinical testing. Allele origin: germline.
Comment: This variant is classified as likely benign based on ACMG/AMP sequence variant interpretation guidelines (Richards et al. 2015 PMID: 25741868, with internal and published modifications).